The following is an entry in ClinVar:

ClinVar aggregate classification (germline): Uncertain significance (1 of 4 stars; one submission).

Conditions:
Nemaline myopathy 8 (NEM8). Also called: Nemaline myopathy 8, autosomal recessive. Identifiers: Orphanet 171430, MedGen C3809209, MONDO:0014138, OMIM 615348.

Allele frequency attached by ClinVar (database versions not stated): gnomAD exomes below 0.00001; TOPMed below 0.00001.
gnomAD v4.1: 3 of 1,614,168 alleles (0.00019%); highest among the groups gnomAD compares: South Asian, 0.0022%; no homozygotes.

Submission:

Labcorp Genetics (formerly Invitae), Labcorp
Classification: Uncertain significance for Nemaline myopathy 8. Last evaluated: 2022-01-17. Review status: criteria provided, single submitter. Criteria: Invitae Variant Classification Sherloc (09022015). Collection method: clinical testing. Allele origin: germline.
Comment: In summary, the available evidence is currently insufficient to determine the role of this variant in disease. Therefore, it has been classified as a Variant of Uncertain Significance. Algorithms developed to predict the effect of missense changes on protein structure and function output the following: SIFT: "Tolerated"; PolyPhen-2: "Benign"; Align-GVGD: "Class C0". The valine amino acid residue is found in multiple mammalian species, which suggests that this missense change does not adversely affect protein function. This variant has not been reported in the literature in individuals affected with KLHL40-related conditions. This variant is present in population databases (no rsID available, gnomAD 0.003%). This sequence change replaces isoleucine, which is neutral and non-polar, with valine, which is neutral and non-polar, at codon 301 of the KLHL40 protein (p.Ile301Val).

NM_152393.4(KLHL40):c.901A>G (p.Ile301Val)

Gene: KLHL40 (kelch like family member 40; plus strand). Cytogenetic location: 3p22.1.
Variant type: single nucleotide variant.
Coding change: c.901A>G on transcript NM_152393.4 (MANE Select); coding-DNA position 901, A replaced by G.
Protein change: p.Ile301Val; replaces isoleucine 301 with valine.
Molecular consequence: missense variant.
Genome position (GRCh38, 1-based): chr3:42,686,519, A>G. VCF-style: chr3-42686519-A-G. GRCh37 (hg19) VCF-style: chr3-42728011-A-G.
Other names: short protein forms I301V.
Identifiers: ClinVar variation 2087355 (VCV002087355.4), dbSNP rs1230932095, ClinGen allele CA352291590.